The following is an entry in ClinVar:

ClinVar aggregate classification (germline): Uncertain significance (1 of 4 stars; one submission).

Allele frequency attached by ClinVar (database versions not stated): gnomAD exomes below 0.00001; ExAC 0.00001.
gnomAD v4.1: 3 of 1,612,294 alleles (0.00019%); highest among the groups gnomAD compares: Admixed American, 0.0017%; no homozygotes.

Submission:

Labcorp Genetics (formerly Invitae), Labcorp
Classification: Uncertain significance. Last evaluated: 2022-06-20. Review status: criteria provided, single submitter. Criteria: Invitae Variant Classification Sherloc (09022015). Collection method: clinical testing. Allele origin: germline.
Comment: This sequence change replaces glutamine, which is neutral and polar, with glutamic acid, which is acidic and polar, at codon 183 of the KARS protein (p.Gln183Glu). In summary, the available evidence is currently insufficient to determine the role of this variant in disease. Therefore, it has been classified as a Variant of Uncertain Significance. This variant is present in population databases (rs779810097, gnomAD 0.003%). This variant has not been reported in the literature in individuals affected with KARS-related conditions. Algorithms developed to predict the effect of missense changes on protein structure and function (SIFT, PolyPhen-2, Align-GVGD) all suggest that this variant is likely to be disruptive.

NM_005548.3(KARS1):c.463C>G (p.Gln155Glu)

Gene: KARS1 (lysyl-tRNA synthetase 1; minus strand). Cytogenetic location: 16q23.1.
Variant type: single nucleotide variant.
Coding change: c.463C>G on transcript NM_005548.3 (MANE Select); coding-DNA position 463, C replaced by G.
Protein change: p.Gln155Glu; replaces glutamine 155 with glutamic acid.
Molecular consequence: missense variant. On other transcripts: 5 prime UTR variant (1).
Genome position (GRCh38, 1-based): chr16:75,636,473, G>C on the plus strand (C>G on the coding strand, the complement: KARS1 is on the minus strand). VCF-style: chr16-75636473-G-C. GRCh37 (hg19) VCF-style: chr16-75670371-G-C.
Other names: c.547C>G, p.Gln183Glu (NM_001130089.2); c.-6C>G (NM_001378148.1); short protein forms Q183E, Q155E.
Identifiers: ClinVar variation 1952500 (VCV001952500.5), dbSNP rs779810097, ClinGen allele CA8177615.